The following is an entry in ClinVar:

ClinVar aggregate classification (germline): Pathogenic. Review status: criteria provided, multiple submitters, no conflicts (2 of 4 stars). 2 submissions from 2 submitters: Pathogenic (2). Last evaluated 2025-03-06.

Conditions:
Hereditary cancer-predisposing syndrome. Also called: Hereditary Cancer Syndrome; Tumor predisposition; Neoplastic Syndromes, Hereditary; Hereditary neoplastic syndrome. Identifiers: Orphanet 140162, MedGen C0027672, MeSH D009386, MONDO:0015356.
Familial cancer of breast. Also called: hereditary breast carcinoma; BREAST CANCER, FAMILIAL; Hereditary breast cancer. Identifiers: Orphanet 227535, MedGen C0346153, MONDO:0016419, OMIM 114480. Disease mechanism: loss of function.

Submissions (2):

Ambry Genetics
Classification: Pathogenic for Hereditary cancer-predisposing syndrome. Last evaluated: 2025-03-06. Review status: criteria provided, single submitter. Criteria: Ambry Variant Classification Scheme 2023. Collection method: clinical testing. Allele origin: germline.
Comment: The c.2281_2287delGCTCATT pathogenic mutation, located in coding exon 5 of the PALB2 gene, results from a deletion of 7 nucleotides at nucleotide positions 2281 to 2287, causing a translational frameshift with a predicted alternate stop codon (p.A761*). This variant is considered to be rare based on population cohorts in the Genome Aggregation Database (gnomAD). This alteration is expected to result in loss of function by premature protein truncation or nonsense-mediated mRNA decay. As such, this alteration is interpreted as a disease-causing mutation.

Labcorp Genetics (formerly Invitae), Labcorp
Classification: Pathogenic for Familial cancer of breast. Last evaluated: 2022-09-15. Review status: criteria provided, single submitter. Criteria: Invitae Variant Classification Sherloc (09022015). Collection method: clinical testing. Allele origin: germline.
Comment: This sequence change creates a premature translational stop signal (p.Ala761*) in the PALB2 gene. It is expected to result in an absent or disrupted protein product. Loss-of-function variants in PALB2 are known to be pathogenic (PMID: 17200668, 17200671, 17200672, 24136930, 25099575). This variant is not present in population databases (gnomAD no frequency). This variant has not been reported in the literature in individuals affected with PALB2-related conditions. For these reasons, this variant has been classified as Pathogenic.

Literature cited by the submitters: PubMed 17200668 (cited by Labcorp Genetics (formerly Invitae), Labcorp); PubMed 17200671 (cited by Labcorp Genetics (formerly Invitae), Labcorp); PubMed 17200672 (cited by Labcorp Genetics (formerly Invitae), Labcorp); PubMed 24136930 (cited by Labcorp Genetics (formerly Invitae), Labcorp); PubMed 25099575 (cited by Labcorp Genetics (formerly Invitae), Labcorp).

NM_024675.4(PALB2):c.2281_2287del (p.Leu760_Ala761insTer)

Gene: PALB2 (partner and localizer of BRCA2; minus strand). Cytogenetic location: 16p12.2.
Variant type: Deletion.
Coding change: c.2281_2287del on transcript NM_024675.4 (MANE Select); coding-DNA positions 2281 to 2287, 7 bases deleted (GCTCATT; older notation c.2281_2287delGCTCATT).
Protein change: p.Leu760_Ala761insTer.
Molecular consequence: nonsense. On other transcripts: frameshift variant (17).
Genome position (GRCh38, 1-based): chr16:23,629,867-23,629,873, AATGAGC deleted on the plus strand (GCTCATT on the coding strand, the reverse complement: PALB2 is on the minus strand); deleting any 7 consecutive bases within chr16:23,629,867-23,629,875 gives the same sequence; the c. name uses the placement nearest the transcript's 3' end. VCF-style (leftmost placement, unchanged base first): chr16-23629866-AAATGAGC-A. GRCh37 (hg19) VCF-style: chr16-23641187-AAATGAGC-A.
Other names: c.2219_2225delTTGCTCA, p.Ala741Terfs (NM_001407296.1); c.2279_2285delTTGCTCA, p.Ala761Terfs (NM_001407297.1, NM_001407298.1, NM_001407299.1 and 3 more transcripts); c.1394_1400delTTGCTCA, p.Ala466Terfs (NM_001407304.1, NM_001407305.1, NM_001407306.1 and 5 more transcripts); c.491_497delTTGCTCA, p.Ala165Terfs (NM_001407312.1, NM_001407313.1); c.2281_2287delGCTCATT (NM_024675.3).
Identifiers: ClinVar variation 2030607 (VCV002030607.5), dbSNP rs2506413313, ClinGen allele CA2580091342.